The following is an entry in ClinVar:

ClinVar aggregate classification (germline): Uncertain significance (1 of 4 stars; one submission).

Conditions:
Familial isolated arrhythmogenic right ventricular dysplasia. Identifiers: Orphanet 217656, MedGen C4274968, MONDO:0016342.

Submission:

All of Us Research Program, National Institutes of Health
Classification: Uncertain significance for Familial isolated arrhythmogenic right ventricular dysplasia. Last evaluated: 2024-07-29. Review status: criteria provided, single submitter. Criteria: ACMG Guidelines, 2015. Collection method: clinical testing. Allele origin: germline. Inheritance: Autosomal dominant inheritance. Observed: 1 variant allele, 1 heterozygote.
Comment: This variant deletes 2 nucleotides in exon 13 of the DSC2 gene, creating a frameshift and premature translation stop signal. This variant is expected to result in an absent or non-functional protein product. To our knowledge, this variant has not been reported in individuals affected with DSC2-related disorders in the literature. This variant has not been identified in the general population by the Genome Aggregation Database (gnomAD). The role of truncation variants in the DSC2 gene in autosomal dominant arrhythmogenic cardiomyopathy is not clearly understood. The available evidence is insufficient to determine the role of this variant in disease conclusively. Therefore, this variant is classified as a Variant of Uncertain Significance.

This study involves interpretation of variants in research participants for the purpose of population health screening. Participant phenotype was not available at the time of variant classification. Additional details can be found in publication PMID: 35346344, PMCID: PMC8962531

NM_024422.6(DSC2):c.2001_2002del (p.Leu668fs)

Gene: DSC2 (desmocollin 2; minus strand). Cytogenetic location: 18q12.1.
Variant type: Microsatellite.
Coding change: c.2001_2002del on transcript NM_024422.6 (MANE Select); coding-DNA positions 2001 to 2002, 2 bases deleted (AC; older notation c.2001_2002delAC).
Protein change: p.Leu668fs; shifts the reading frame from leucine 668.
Molecular consequence: frameshift variant.
Genome position (GRCh38, 1-based): chr18:31,071,728-31,071,729, GT deleted on the plus strand (AC on the coding strand, the reverse complement: DSC2 is on the minus strand); deleting any 2 consecutive bases within chr18:31,071,728-31,071,731 gives the same sequence; the c. name uses the placement nearest the transcript's 3' end. VCF-style (leftmost placement, unchanged base first): chr18-31071727-AGT-A. GRCh37 (hg19) VCF-style: chr18-28651693-AGT-A.
Other names: c.1572_1573del, p.Leu525fs (NM_001406506.1, NM_001406507.1); c.2001_2002del, p.Leu668fs (NM_004949.5); short protein forms L525fs, L668fs.
Identifiers: ClinVar variation 3386517 (VCV003386517.1).